The following is an entry in ClinVar:

NM_006767.4(LZTR1):c.1915A>G (p.Thr639Ala)

Gene: LZTR1 (leucine zipper like post translational regulator 1; plus strand). Cytogenetic location: 22q11.21.
Variant type: single nucleotide variant.
Coding change: c.1915A>G on transcript NM_006767.4 (MANE Select); coding-DNA position 1915, A replaced by G.
Protein change: p.Thr639Ala; replaces threonine 639 with alanine.
Molecular consequence: missense variant.
Genome position (GRCh38, 1-based): chr22:20,994,999, A>G. VCF-style: chr22-20994999-A-G. GRCh37 (hg19) VCF-style: chr22-21349288-A-G.
Other names: short protein forms T639A.
Identifiers: ClinVar variation 1782568 (VCV001782568.4), dbSNP rs1270242791, ClinGen allele CA410778718.

ClinVar aggregate classification (germline): Conflicting classifications of pathogenicity. Review status: criteria provided, conflicting classifications (1 of 4 stars). 2 submissions from 2 submitters: Uncertain significance (1); Likely benign (1). Last evaluated 2024-05-08.

Conditions:
Hereditary cancer-predisposing syndrome. Also called: Neoplastic Syndromes, Hereditary; Tumor predisposition; Hereditary Cancer Syndrome; Hereditary neoplastic syndrome. Identifiers: Orphanet 140162, MedGen C0027672, MeSH D009386, MONDO:0015356.
Cardiovascular phenotype. Identifiers: MedGen CN230736.

Allele frequency attached by ClinVar (database versions not stated): gnomAD exomes below 0.00001.
gnomAD v4.1: 3 of 1,611,868 alleles (0.00019%); highest among the groups gnomAD compares: Non-Finnish European, 0.00025%; no homozygotes.

Submissions (2):

Labcorp Genetics (formerly Invitae), Labcorp
Classification: Uncertain significance. Last evaluated: 2024-05-08. Review status: criteria provided, single submitter. Criteria: Invitae Variant Classification Sherloc (09022015). Collection method: clinical testing. Allele origin: germline.
Comment: This sequence change replaces threonine, which is neutral and polar, with alanine, which is neutral and non-polar, at codon 639 of the LZTR1 protein (p.Thr639Ala). This variant is not present in population databases (gnomAD no frequency). This variant has not been reported in the literature in individuals affected with LZTR1-related conditions. ClinVar contains an entry for this variant (Variation ID: 1782568). Advanced modeling of protein sequence and biophysical properties (such as structural, functional, and spatial information, amino acid conservation, physicochemical variation, residue mobility, and thermodynamic stability) performed at Invitae indicates that this missense variant is not expected to disrupt LZTR1 protein function with a negative predictive value of 80%. In summary, the available evidence is currently insufficient to determine the role of this variant in disease. Therefore, it has been classified as a Variant of Uncertain Significance.

Ambry Genetics
Classification: Likely benign for Cardiovascular phenotype; Hereditary cancer-predisposing syndrome. Last evaluated: 2021-02-26. Review status: criteria provided, single submitter. Criteria: Ambry Variant Classification Scheme 2023. Collection method: clinical testing. Allele origin: germline.